The following is an entry in ClinVar:

ClinVar aggregate classification (germline): Uncertain significance. Review status: criteria provided, single submitter (1 of 4 stars). 2 submissions from 2 submitters: Uncertain significance (1). 1 of the submissions does not count toward it. Last evaluated 2021-08-31.

Conditions:
Cortical dysplasia, complex, with other brain malformations 13. Also called: Intellectual disability, autosomal dominant 13. Identifiers: MedGen C3281202, MONDO:0013805, OMIM 614563.
Charcot-Marie-Tooth disease axonal type 2O. Also called: CHARCOT-MARIE-TOOTH NEUROPATHY, AXONAL, TYPE 2O; CHARCOT-MARIE-TOOTH DISEASE, AXONAL, AUTOSOMAL DOMINANT, TYPE 2O; Charcot-Marie-Tooth Neuropathy Type 2O; Charcot-Marie-Tooth disease, axonal, type 20. Identifiers: Orphanet 284232, MedGen C3280220, MONDO:0013644, OMIM 614228.

Submissions (2):

Labcorp Genetics (formerly Invitae), Labcorp
Classification: Uncertain significance for Charcot-Marie-Tooth disease axonal type 2O. Last evaluated: 2021-08-31. Review status: criteria provided, single submitter. Criteria: Invitae Variant Classification Sherloc (09022015). Collection method: clinical testing. Allele origin: germline.
Comment: ClinVar contains an entry for this variant (Variation ID: 800749). Advanced modeling of protein sequence and biophysical properties (such as structural, functional, and spatial information, amino acid conservation, physicochemical variation, residue mobility, and thermodynamic stability) performed at Invitae indicates that this missense variant is not expected to disrupt DYNC1H1 protein function. In summary, the available evidence is currently insufficient to determine the role of this variant in disease. Therefore, it has been classified as a Variant of Uncertain Significance. This variant has not been reported in the literature in individuals affected with DYNC1H1-related conditions. This sequence change replaces proline with arginine at codon 3922 of the DYNC1H1 protein (p.Pro3922Arg). The proline residue is highly conserved and there is a moderate physicochemical difference between proline and arginine. This variant is not present in population databases (ExAC no frequency).

Biochemical Molecular Genetic Laboratory, King Abdulaziz Medical City
Classification: Uncertain significance for Cortical dysplasia, complex, with other brain malformations 13. Last evaluated: 2019-01-29. Review status: no assertion criteria provided. Collection method: clinical testing. Allele origin: germline. Affected: yes. Not counted in ClinVar's aggregate classification.

NM_001376.5(DYNC1H1):c.11765C>G (p.Pro3922Arg)

Gene: DYNC1H1 (dynein cytoplasmic 1 heavy chain 1; plus strand). Cytogenetic location: 14q32.31.
Variant type: single nucleotide variant.
Coding change: c.11765C>G on transcript NM_001376.5 (MANE Select); coding-DNA position 11765, C replaced by G.
Protein change: p.Pro3922Arg; replaces proline 3922 with arginine.
Molecular consequence: missense variant.
Genome position (GRCh38, 1-based): chr14:102,040,310, C>G. VCF-style: chr14-102040310-C-G. GRCh37 (hg19) VCF-style: chr14-102506647-C-G.
Other names: short protein forms P3922R.
Identifiers: ClinVar variation 800749 (VCV000800749.7), dbSNP rs141696238, ClinGen allele CA391036660.